The following is an entry in ClinVar:

ClinVar aggregate classification (germline): Likely benign. Review status: criteria provided, multiple submitters, no conflicts (2 of 4 stars). 2 submissions from 2 submitters: Likely benign (2). Last evaluated 2024-10-11.

gnomAD v4.1: 251 of 1,613,708 alleles (0.016%); highest among the groups gnomAD compares: Middle Eastern, 0.099%; no homozygotes.

Submissions (2):

Blueprint Genetics
Classification: Likely benign. Last evaluated: 2024-10-11. Review status: criteria provided, single submitter. Criteria: ACMG Guidelines, 2015. Collection method: clinical testing. Allele origin: germline.

CeGaT Center for Human Genetics Tuebingen
Classification: Likely benign. Last evaluated: 2024-10-01. Review status: criteria provided, single submitter. Criteria: CeGaT Center For Human Genetics Tuebingen Variant Classification Criteria Version 2. Collection method: clinical testing. Allele origin: germline. Affected: yes. Observed: 1 variant allele.
Comment: NUP214: BP4, BP7

NM_005085.4(NUP214):c.3018C>T (p.Asp1006=)

Gene: NUP214 (nucleoporin 214; plus strand). Cytogenetic location: 9q34.13.
Variant type: single nucleotide variant.
Coding change: c.3018C>T on transcript NM_005085.4 (MANE Select); coding-DNA position 3018, C replaced by T.
Protein change: p.Asp1006=; no amino-acid change (aspartic acid 1006 retained).
Molecular consequence: synonymous variant.
Genome position (GRCh38, 1-based): chr9:131,174,179, C>T. VCF-style: chr9-131174179-C-T. GRCh37 (hg19) VCF-style: chr9-134049566-C-T.
Other names: c.2988C>T, p.Asp996= (NM_001318324.2).
Identifiers: ClinVar variation 3388188 (VCV003388188.15).